The following is an entry in ClinVar:

ClinVar aggregate classification (germline): Likely benign. Review status: criteria provided, single submitter (1 of 4 stars). 2 submissions from 2 submitters: Likely benign (1). 1 of the submissions does not count toward it. Last evaluated 2024-03-26.

Conditions:
IFT88-related disorder. Also called: IFT88-related condition.

Allele frequency attached by ClinVar (database versions not stated): gnomAD 0.00001; gnomAD exomes 0.00001; TOPMed 0.00001; 1000 Genomes Project 30x 0.00016; 1000 Genomes Project 0.00020.
gnomAD v4.1: 22 of 1,610,332 alleles (0.0014%); highest among the groups gnomAD compares: African/African-American, 0.0053%; no homozygotes.

Submissions (2):

Labcorp Genetics (formerly Invitae), Labcorp
Classification: Likely benign. Last evaluated: 2024-03-26. Review status: criteria provided, single submitter. Criteria: Invitae Variant Classification Sherloc (09022015). Collection method: clinical testing. Allele origin: germline.

PreventionGenetics, part of Exact Sciences
Classification: Likely benign for IFT88-related condition. Last evaluated: 2019-08-15. Review status: no assertion criteria provided. Collection method: clinical testing. Allele origin: germline. Not counted in ClinVar's aggregate classification.
Comment: This variant is classified as likely benign based on ACMG/AMP sequence variant interpretation guidelines (Richards et al. 2015 PMID: 25741868, with internal and published modifications).

NM_006531.5(IFT88):c.660T>C (p.Tyr220=)

Gene: IFT88 (intraflagellar transport 88; plus strand). Cytogenetic location: 13q12.11.
Variant type: single nucleotide variant.
Coding change: c.660T>C on transcript NM_006531.5 (MANE Select); coding-DNA position 660, T replaced by C.
Protein change: p.Tyr220=; no amino-acid change (tyrosine 220 retained).
Molecular consequence: synonymous variant. On other transcripts: non-coding transcript variant (5).
Genome position (GRCh38, 1-based): chr13:20,598,716, T>C. VCF-style: chr13-20598716-T-C. GRCh37 (hg19) VCF-style: chr13-21172855-T-C.
Other names: c.603T>C, p.Tyr201= (NM_001318491.2, NM_001353573.2, NM_001353574.2 and 1 more transcripts); c.687T>C, p.Tyr229= (NM_001318493.2, NM_001353565.2, NM_001353566.2 and 6 more transcripts); c.660T>C, p.Tyr220= (NM_001353568.2, NM_001353571.2, NM_001353572.2 and 1 more transcripts); c.27T>C, p.Tyr9= (NM_001353579.2).
Identifiers: ClinVar variation 3052318 (VCV003052318.4), dbSNP rs561906001, ClinGen allele CA246522347.